The following is an entry in ClinVar:

NM_000424.4(KRT5):c.732G>A (p.Leu244=)

Genes: KRT5 (keratin 5; minus strand), LOC126861526 (BRD4-independent group 4 enhancer GRCh37_chr12:52912066-52913265; plus strand). Cytogenetic location: 12q13.13.
Variant type: single nucleotide variant.
Coding change: c.732G>A on transcript NM_000424.4 (MANE Select); coding-DNA position 732, G replaced by A.
Protein change: p.Leu244=; no amino-acid change (leucine 244 retained).
Molecular consequence: synonymous variant.
Genome position (GRCh38, 1-based): chr12:52,518,984, C>T on the plus strand (G>A on the coding strand, the complement: KRT5 is on the minus strand). VCF-style: chr12-52518984-C-T. GRCh37 (hg19) VCF-style: chr12-52912768-C-T.
Identifiers: ClinVar variation 66283 (VCV000066283.15), dbSNP rs1132948, ClinGen allele CA216790.

ClinVar aggregate classification (germline): Benign. Review status: criteria provided, multiple submitters, no conflicts (2 of 4 stars). 6 submissions from 6 submitters: Benign (5). 1 of the submissions does not count toward it. Last evaluated 2026-02-03.

Conditions:
Epidermolysis bullosa simplex. Also called: Epidermolysis bullosa simplex, Weber-Cockayne type (subtype); Epidermolysis bullosa simplex, Dowling-Meara type (subtype); Epidermolysis bullosa simplex with mottled pigmentation (subtype). Identifiers: Orphanet 304, MedGen C0079298, MONDO:0017610.

Allele frequency attached by ClinVar (database versions not stated): ESP Exome Variant Server 0.15193; 1000 Genomes Project 30x 0.12945; 1000 Genomes Project 0.12760; TOPMed 0.15407.
gnomAD v4.1: 213,962 of 1,614,044 alleles (13%); highest among the groups gnomAD compares: Middle Eastern, 19%; 15,029 homozygotes.

Submissions (6):

Labcorp Genetics (formerly Invitae), Labcorp
Classification: Benign. Last evaluated: 2026-02-03. Review status: criteria provided, single submitter. Criteria: Invitae Variant Classification Sherloc (09022015). Collection method: clinical testing. Allele origin: germline.

Illumina Laboratory Services, Illumina
Classification: Benign for Epidermolysis bullosa simplex. Last evaluated: 2018-01-13. Review status: criteria provided, single submitter. Criteria: ICSL Variant Classification Criteria 13 December 2019. Collection method: clinical testing. Allele origin: germline.
Comment: This variant was observed in the ICSL laboratory as part of a predisposition screen in an ostensibly healthy population. It had not been previously curated by ICSL or reported in the Human Gene Mutation Database (HGMD: prior to June 1st, 2018), and was therefore a candidate for classification through an automated scoring system. Utilizing variant allele frequency, disease prevalence and penetrance estimates, and inheritance mode, an automated score was calculated to assess if this variant is too frequent to cause the disease. Based on the score and internal cut-off values, a variant classified as benign is not then subjected to further curation. The score for this variant resulted in a classification of benign for this disease.

GeneDx
Classification: Benign. Last evaluated: 2015-03-03. Review status: criteria provided, single submitter. Criteria: GeneDx Variant Classification Process June 2021. Collection method: clinical testing. Allele origin: germline. Affected: yes.

Breakthrough Genomics
Classification: Benign. Review status: criteria provided, single submitter. Criteria: ACMG Guidelines, 2015. Collection method: not provided. Allele origin: germline. Inheritance: Autosomal recessive inheritance. Affected: yes.

PreventionGenetics, part of Exact Sciences
Classification: Benign. Review status: criteria provided, single submitter. Criteria: ACMG Guidelines, 2015. Collection method: clinical testing. Allele origin: germline.

Epithelial Biology;  Institute of Medical Biology, Singapore
No classification provided. Review status: no classification provided. Collection method: not provided. Allele origin: not provided. Not counted in ClinVar's aggregate classification.